The following is an entry in ClinVar:

ClinVar aggregate classification (germline): Benign. Review status: criteria provided, single submitter (1 of 4 stars). 2 submissions from 1 submitter: Benign (2). Last evaluated 2018-01-12.

Conditions:
Craniometaphyseal dysplasia, autosomal dominant (CMDD). Identifiers: Orphanet 1522, MedGen C1852502, MONDO:0007397, OMIM 123000.
Chondrocalcinosis 2. Also called: CALCIUM GOUT; CALCIUM PYROPHOSPHATE ARTHROPATHY; Familial calcium pyrophosphate deposition. Identifiers: Orphanet 1416, MedGen C0856830, MONDO:0007319, OMIM 118600.

Allele frequency attached by ClinVar (database versions not stated): 1000 Genomes Project 30x 0.02280; 1000 Genomes Project 0.02376; gnomAD 0.02473 and 0.02679; TOPMed 0.02848.

Submissions (2):

Illumina Laboratory Services, Illumina
Classification: Benign for Chondrocalcinosis 2. Last evaluated: 2018-01-12. Review status: criteria provided, single submitter. Criteria: ICSL Variant Classification Criteria 13 December 2019. Collection method: clinical testing. Allele origin: germline.
Comment: This variant was observed in the ICSL laboratory as part of a predisposition screen in an ostensibly healthy population. It had not been previously curated by ICSL or reported in the Human Gene Mutation Database (HGMD: prior to June 1st, 2018), and was therefore a candidate for classification through an automated scoring system. Utilizing variant allele frequency, disease prevalence and penetrance estimates, and inheritance mode, an automated score was calculated to assess if this variant is too frequent to cause the disease. Based on the score and internal cut-off values, a variant classified as benign is not then subjected to further curation. The score for this variant resulted in a classification of benign for this disease.

Illumina Laboratory Services, Illumina
Classification: Benign for Craniometaphyseal dysplasia, autosomal dominant. Last evaluated: 2018-01-12. Review status: criteria provided, single submitter. Criteria: ICSL Variant Classification Criteria 13 December 2019. Collection method: clinical testing. Allele origin: germline.
Comment: the same text as in the submission from Illumina Laboratory Services, Illumina above.

NM_054027.6(ANKH):c.*4672G>A

Genes: ANKH (ANKH inorganic pyrophosphate transport regulator; minus strand), OTULIN (OTU deubiquitinase with linear linkage specificity; plus strand). Cytogenetic location: 5p15.2.
Variant type: single nucleotide variant.
Coding change: c.*4672G>A on transcript NM_054027.6 (MANE Select); 4672 bases downstream of the stop codon, G replaced by A.
Molecular consequence: 3 prime UTR variant.
Genome position (GRCh38, 1-based): chr5:14,706,525, C>T on the plus strand (G>A on the coding strand, the complement: ANKH is on the minus strand). VCF-style: chr5-14706525-C-T. GRCh37 (hg19) VCF-style: chr5-14706634-C-T.
Identifiers: ClinVar variation 351411 (VCV000351411.5), dbSNP rs61502042, ClinGen allele CA10619276.
Genomic context (GRCh38, chr5:14,706,525, plus strand): 5'-ATAGATTTAATGTCCACTCTTGAGAAGAAAATAAAGTCTAAACTTAAGGTCTTATCATCT[C>T]GTTTTTCCCTTTTGAGATCAGATAGTATACTATATATTTGTGACTTTTCTGAGTGGAGTT-3'